The following is an entry in ClinVar:

ClinVar aggregate classification (germline): Uncertain significance (1 of 4 stars; one submission).

Conditions:
Hypertrophic cardiomyopathy. Also called: HYPERTROPHIC MYOCARDIOPATHY. Identifiers: Orphanet 217569, MedGen C0007194, MeSH D002312, MONDO:0005045, HP:0001639.

Submission:

Labcorp Genetics (formerly Invitae), Labcorp
Classification: Uncertain significance for Hypertrophic cardiomyopathy. Last evaluated: 2024-06-13. Review status: criteria provided, single submitter. Criteria: Invitae Variant Classification Sherloc (09022015). Collection method: clinical testing. Allele origin: germline.
Comment: This sequence change replaces glutamic acid, which is acidic and polar, with lysine, which is basic and polar, at codon 170 of the MYL3 protein (p.Glu170Lys). This variant is not present in population databases (gnomAD no frequency). This missense change has been observed in individual(s) with hypertrophic cardiomyopathy (PMID: 37652022). ClinVar contains an entry for this variant (Variation ID: 220466). An algorithm developed to predict the effect of missense changes on protein structure and function (PolyPhen-2) suggests that this variant is likely to be disruptive. In summary, the available evidence is currently insufficient to determine the role of this variant in disease. Therefore, it has been classified as a Variant of Uncertain Significance.

Literature cited by the submitters: PubMed 37652022.

NM_000258.3(MYL3):c.508G>A (p.Glu170Lys)

Gene: MYL3 (myosin light chain 3; minus strand). Cytogenetic location: 3p21.31.
Variant type: single nucleotide variant.
Coding change: c.508G>A on transcript NM_000258.3 (MANE Select); coding-DNA position 508, G replaced by A.
Protein change: p.Glu170Lys; replaces glutamic acid 170 with lysine.
Molecular consequence: missense variant.
Genome position (GRCh38, 1-based): chr3:46,858,435, C>T on the plus strand (G>A on the coding strand, the complement: MYL3 is on the minus strand). VCF-style: chr3-46858435-C-T. GRCh37 (hg19) VCF-style: chr3-46899925-C-T.
Other names: short protein forms E170K.
Identifiers: ClinVar variation 220466 (VCV000220466.10), dbSNP rs864622538, ClinGen allele CA350772.